The following is an entry in ClinVar:

ClinVar aggregate classification (germline): Likely benign (1 of 4 stars; one submission).

Conditions:
Marfan syndrome (MFS). Also called: MARFAN SYNDROME, TYPE I; Marfan syndrome type 1; Marfan's syndrome; FBN1-Related Marfan Syndrome; Marfan syndrome, classic. Identifiers: Orphanet 284963, Orphanet 558, MedGen C0024796, MONDO:0007947, OMIM 154700.

Submission:

All of Us Research Program, National Institutes of Health
Classification: Likely benign for Marfan syndrome. Last evaluated: 2024-06-09. Review status: criteria provided, single submitter. Criteria: ACMG Guidelines, 2015. Collection method: clinical testing. Allele origin: germline. Inheritance: Autosomal dominant inheritance. Observed: 1 variant allele, 1 heterozygote.
Comment: This study involves interpretation of variants in research participants for the purpose of population health screening. Participant phenotype was not available at the time of variant classification. Additional details can be found in publication PMID: 35346344, PMCID: PMC8962531

NM_000138.5(FBN1):c.1148-8T>G

Gene: FBN1 (fibrillin 1; minus strand). Cytogenetic location: 15q21.1.
Variant type: single nucleotide variant.
Coding change: c.1148-8T>G on transcript NM_000138.5 (MANE Select); 8 bases into the intron before coding-DNA position 1148, T replaced by G.
Molecular consequence: intron variant.
Genome position (GRCh38, 1-based): chr15:48,516,370, A>C on the plus strand (T>G on the coding strand, the complement: FBN1 is on the minus strand). VCF-style: chr15-48516370-A-C. GRCh37 (hg19) VCF-style: chr15-48808567-A-C.
Other names: c.1148-8T>G (NM_001406716.1).
Identifiers: ClinVar variation 3386858 (VCV003386858.1).
Genomic context (GRCh38, chr15:48,516,370, plus strand): 5'-TTCTGGTCTCCCAGGAATTACCATAGGAACAGAGCACAGCTTGTTGAAATCCTCTAGAAA[A>C]ACACAACAAAACAAAACACAACAGCTGAGCTGTAGCTTATGATCATAGGCCCACAGAAGT-3'